The following is an entry in ClinVar:

ClinVar aggregate classification (germline): Likely benign (1 of 4 stars; one submission).

Conditions:
Maturity-onset diabetes of the young type 7 (MODY7). Identifiers: Orphanet 552, MedGen C1864839, MONDO:0012513, OMIM 610508.

Allele frequency attached by ClinVar (database versions not stated): gnomAD 0.00012 and 0.00017; TOPMed 0.00022; 1000 Genomes Project 30x 0.00094; 1000 Genomes Project 0.00100.

Submission:

Illumina Laboratory Services, Illumina
Classification: Likely benign for Maturity-onset diabetes of the young type 7. Last evaluated: 2018-01-13. Review status: criteria provided, single submitter. Criteria: ICSL Variant Classification Criteria 13 December 2019. Collection method: clinical testing. Allele origin: germline.
Comment: This variant was observed in the ICSL laboratory as part of a predisposition screen in an ostensibly healthy population. It had not been previously curated by ICSL or reported in the Human Gene Mutation Database (HGMD: prior to June 1st, 2018), and was therefore a candidate for classification through an automated scoring system. Utilizing variant allele frequency, disease prevalence and penetrance estimates, and inheritance mode, an automated score was calculated to assess if this variant is too frequent to cause the disease. Based on the score and internal cut-off values, a variant classified as likely benign is not then subjected to further curation. The score for this variant resulted in a classification of likely benign for this disease.

NM_003597.5(KLF11):c.*2274G>A

Gene: KLF11 (KLF transcription factor 11; plus strand). Cytogenetic location: 2p25.1.
Variant type: single nucleotide variant.
Coding change: c.*2274G>A on transcript NM_003597.5 (MANE Select); 2274 bases downstream of the stop codon, G replaced by A.
Molecular consequence: 3 prime UTR variant.
Genome position (GRCh38, 1-based): chr2:10,054,781, G>A. VCF-style: chr2-10054781-G-A. GRCh37 (hg19) VCF-style: chr2-10194908-G-A.
Other names: c.*2274G>A (NM_001177716.2, NM_001177718.2).
Identifiers: ClinVar variation 330681 (VCV000330681.5), dbSNP rs149368043, ClinGen allele CA10611823.